The following is an entry in ClinVar:

ClinVar aggregate classification (germline): Pathogenic (1 of 4 stars; one submission).

Conditions:
Familial cancer of breast. Also called: Hereditary breast cancer; BREAST CANCER, FAMILIAL; hereditary breast carcinoma. Identifiers: Orphanet 227535, MedGen C0346153, MONDO:0016419, OMIM 114480. Disease mechanism: loss of function.

Submission:

Myriad Genetics, Inc.
Classification: Pathogenic for Familial cancer of breast. Last evaluated: 2023-09-13. Review status: criteria provided, single submitter. Criteria: Myriad Autosomal Dominant, Autosomal Recessive and X-Linked Classification Criteria (2023). Collection method: clinical testing. Allele origin: unknown.
Comment: This variant is considered pathogenic. This variant creates a frameshift predicted to result in premature protein truncation.

NM_024675.4(PALB2):c.2702del (p.Leu901fs)

Gene: PALB2 (partner and localizer of BRCA2; minus strand). Cytogenetic location: 16p12.2.
Variant type: Deletion.
Coding change: c.2702del on transcript NM_024675.4 (MANE Select); coding-DNA position 2702, one base deleted (T; older notation c.2702delT).
Protein change: p.Leu901fs; shifts the reading frame from leucine 901.
Molecular consequence: frameshift variant. On other transcripts: intron variant (3).
Genome position (GRCh38, 1-based): chr16:23,626,282, A deleted on the plus strand (T on the coding strand, the reverse complement: PALB2 is on the minus strand). VCF-style (leftmost placement, unchanged base first): chr16-23626281-CA-C. GRCh37 (hg19) VCF-style: chr16-23637602-CA-C.
Other names: c.1817del, p.Leu606fs (NM_001407304.1, NM_001407311.1, NM_001407308.1 and 4 more transcripts); c.914del, p.Leu305fs (NM_001407312.1, NM_001407313.1); c.2642del, p.Leu881fs (NM_001407296.1); c.2630del, p.Leu877fs (NM_001407297.1); c.2702del, p.Leu901fs (NM_001407299.1, NM_001407300.1, NM_001407301.1); c.236del, p.Leu79fs (NM_001407314.1); c.2587-2188del (NM_001407302.1, NM_001407298.1); c.1702-2188del (NM_001407307.1); short protein forms L305fs, L606fs, L79fs, L877fs, L881fs, L901fs.
Identifiers: ClinVar variation 2674146 (VCV002674146.1), dbSNP rs2506370297, ClinGen allele CA2695197614.